The following is an entry in ClinVar:

ClinVar aggregate classification (germline): Uncertain significance (1 of 4 stars; one submission).

Conditions:
Joubert syndrome. Also called: CEREBELLOPARENCHYMAL DISORDER IV; JOUBERT-BOLTSHAUSER SYNDROME; Familial aplasia of the vermis. Identifiers: Orphanet 475, MedGen C5979921, MONDO:0018772.

Submission:

Labcorp Genetics (formerly Invitae), Labcorp
Classification: Uncertain significance for Joubert syndrome. Last evaluated: 2024-04-24. Review status: criteria provided, single submitter. Criteria: Invitae Variant Classification Sherloc (09022015). Collection method: clinical testing. Allele origin: germline.
Comment: This sequence change replaces proline, which is neutral and non-polar, with leucine, which is neutral and non-polar, at codon 195 of the INPP5E protein (p.Pro195Leu). This variant is not present in population databases (gnomAD no frequency). This variant has not been reported in the literature in individuals affected with INPP5E-related conditions. ClinVar contains an entry for this variant (Variation ID: 1714010). Advanced modeling of protein sequence and biophysical properties (such as structural, functional, and spatial information, amino acid conservation, physicochemical variation, residue mobility, and thermodynamic stability) performed at Invitae indicates that this missense variant is not expected to disrupt INPP5E protein function with a negative predictive value of 95%. In summary, the available evidence is currently insufficient to determine the role of this variant in disease. Therefore, it has been classified as a Variant of Uncertain Significance.

NM_019892.6(INPP5E):c.584C>T (p.Pro195Leu)

Gene: INPP5E (inositol polyphosphate-5-phosphatase E; minus strand). Cytogenetic location: 9q34.3.
Variant type: single nucleotide variant.
Coding change: c.584C>T on transcript NM_019892.6 (MANE Select); coding-DNA position 584, C replaced by T.
Protein change: p.Pro195Leu; replaces proline 195 with leucine.
Molecular consequence: missense variant.
Genome position (GRCh38, 1-based): chr9:136,438,836, G>A on the plus strand (C>T on the coding strand, the complement: INPP5E is on the minus strand). VCF-style: chr9-136438836-G-A. GRCh37 (hg19) VCF-style: chr9-139333288-G-A.
Other names: c.584C>T, p.Pro195Leu (NM_001318502.2); short protein forms P195L.
Identifiers: ClinVar variation 1714010 (VCV001714010.6), dbSNP rs147268679, ClinGen allele CA375568284.